The following is an entry in ClinVar:

NM_001367805.3(KIF23):c.813C>G (p.Asn271Lys)

Gene: KIF23 (kinesin family member 23; plus strand). Cytogenetic location: 15q23.
Variant type: single nucleotide variant.
Coding change: c.813C>G on transcript NM_001367805.3 (MANE Select); coding-DNA position 813, C replaced by G.
Protein change: p.Asn271Lys; replaces asparagine 271 with lysine.
Molecular consequence: missense variant. On other transcripts: non-coding transcript variant (2).
Genome position (GRCh38, 1-based): chr15:69,426,106, C>G. VCF-style: chr15-69426106-C-G. GRCh37 (hg19) VCF-style: chr15-69718445-C-G.
Other names: c.441C>G, p.Asn147Lys (NM_001281301.2); c.771C>G, p.Asn257Lys (NM_001367804.2, NM_004856.7, NM_138555.4); short protein forms N147K, N257K, N271K.
Identifiers: ClinVar variation 3657701 (VCV003657701.2).
Genomic context (GRCh38, chr15:69,426,106, plus strand): 5'-TAATCTTTTTTTTCTTTCCCATAGACCTCCACAATCTAAATTGCTTCGTGAAGATAAGAA[C>G]CATAACATGTATGTTGCAGGATGTACAGAAGTTGAAGTGAAATCTACTGAGGAGGCTTTT-3'
Protein context (NP_001354734.1, residues 261-281): PQSKLLREDK[Asn271Lys]HNMYVAGCTE

ClinVar aggregate classification (germline): Uncertain significance (1 of 4 stars; one submission).

gnomAD v4.1: 3 of 1,602,286 alleles (0.00019%); highest among the groups gnomAD compares: South Asian, 0.0023%; no homozygotes.

Submission:

Labcorp Genetics (formerly Invitae), Labcorp
Classification: Uncertain significance. Last evaluated: 2025-01-02. Review status: criteria provided, single submitter. Criteria: Invitae Variant Classification Sherloc (09022015). Collection method: clinical testing. Allele origin: germline.
Comment: This sequence change replaces asparagine, which is neutral and polar, with lysine, which is basic and polar, at codon 257 of the KIF23 protein (p.Asn257Lys). This variant is present in population databases (no rsID available, gnomAD 0.004%). This variant has not been reported in the literature in individuals affected with KIF23-related conditions. Invitae Evidence Modeling of protein sequence and biophysical properties (such as structural, functional, and spatial information, amino acid conservation, physicochemical variation, residue mobility, and thermodynamic stability) indicates that this missense variant is not expected to disrupt KIF23 protein function with a negative predictive value of 80%. In summary, the available evidence is currently insufficient to determine the role of this variant in disease. Therefore, it has been classified as a Variant of Uncertain Significance.